The following is an entry in ClinVar:

ClinVar aggregate classification (germline): Conflicting classifications of pathogenicity. Review status: criteria provided, conflicting classifications (1 of 4 stars). 2 submissions from 2 submitters: Likely pathogenic (1); Uncertain significance (1). Last evaluated 2026-04-14.

Allele frequency attached by ClinVar (database versions not stated): gnomAD exomes below 0.00001; ExAC 0.00001; gnomAD 0.00001.
gnomAD v4.1: 14 of 1,614,044 alleles (0.00087%); highest among the groups gnomAD compares: Admixed American, 0.0017%; no homozygotes.

Submissions (2):

GeneDx
Classification: Likely pathogenic. Last evaluated: 2026-04-14. Review status: criteria provided, single submitter. Criteria: GeneDx Variant Classification Process June 2021. Collection method: clinical testing. Allele origin: germline.
Comment: In silico analysis supports that this missense variant has a deleterious effect on protein structure/function; Not observed at significant frequency in large population cohorts (gnomAD); This variant is associated with the following publications: (PMID: 34448181, 34172899)

Women's Health and Genetics/Laboratory Corporation of America, LabCorp
Classification: Uncertain significance. Last evaluated: 2026-01-16. Review status: criteria provided, single submitter. Criteria: LabCorp Variant Classification Summary - May 2015. Collection method: clinical testing. Allele origin: germline.
Comment: Variant summary: KARS1 c.1051C>T (p.Arg351Trp) results in a non-conservative amino acid change in the encoded protein sequence. Algorithms developed to predict the effect of missense changes on protein structure and function all suggest that this variant is likely to be disruptive. The variant allele was found at a frequency of 8.7e-06 in 1614044 control chromosomes. This frequency is not significantly higher than estimated for disease-causing variants in KARS1, allowing no conclusion about variant significance. c.1051C>T has been observed in the compound heterozygous state in at least 2 individual(s) affected with clinical features of Leukoencephalopathy, progressive, infantile-onset, with or without deafness (example, Lin_2021, Murofushi_2021). These data indicate that the variant may be associated with disease. To our knowledge, no experimental evidence demonstrating an impact on protein function has been reported. The following publications have been ascertained in the context of this evaluation (PMID: 23856246, 34172899, 29925043, 33926074, 34448181). ClinVar contains an entry for this variant (Variation ID: 426539). Based on the evidence outlined above, the variant was classified as VUS-possibly pathogenic.

Literature cited by the submitters: PubMed 33926074 (cited by Women's Health and Genetics/Laboratory Corporation of America, LabCorp); PubMed 23856246 (cited by Women's Health and Genetics/Laboratory Corporation of America, LabCorp); PubMed 29925043 (cited by Women's Health and Genetics/Laboratory Corporation of America, LabCorp); PubMed 34172899 (cited by Women's Health and Genetics/Laboratory Corporation of America, LabCorp); PubMed 34448181 (cited by Women's Health and Genetics/Laboratory Corporation of America, LabCorp).

NM_005548.3(KARS1):c.967C>T (p.Arg323Trp)

Gene: KARS1 (lysyl-tRNA synthetase 1; minus strand). Cytogenetic location: 16q23.1.
Variant type: single nucleotide variant.
Coding change: c.967C>T on transcript NM_005548.3 (MANE Select); coding-DNA position 967, C replaced by T.
Protein change: p.Arg323Trp; replaces arginine 323 with tryptophan.
Molecular consequence: missense variant.
Genome position (GRCh38, 1-based): chr16:75,631,804, G>A on the plus strand (C>T on the coding strand, the complement: KARS1 is on the minus strand). VCF-style: chr16-75631804-G-A. GRCh37 (hg19) VCF-style: chr16-75665702-G-A.
Other names: c.1051C>T, p.Arg351Trp (NM_001130089.2); c.499C>T, p.Arg167Trp (NM_001378148.1); short protein forms R351W, R323W, R167W.
Identifiers: ClinVar variation 426539 (VCV000426539.6), dbSNP rs569973619, ClinGen allele CA8177423.